The following is an entry in ClinVar:

NM_000350.3(ABCA4):c.1528C>A (p.Leu510Ile)

Gene: ABCA4 (ATP binding cassette subfamily A member 4; minus strand). Cytogenetic location: 1p22.1.
Variant type: single nucleotide variant.
Coding change: c.1528C>A on transcript NM_000350.3 (MANE Select); coding-DNA position 1528, C replaced by A.
Protein change: p.Leu510Ile; replaces leucine 510 with isoleucine.
Molecular consequence: missense variant.
Genome position (GRCh38, 1-based): chr1:94,077,716, G>T on the plus strand (C>A on the coding strand, the complement: ABCA4 is on the minus strand). VCF-style: chr1-94077716-G-T. GRCh37 (hg19) VCF-style: chr1-94543272-G-T.
Other names: c.1528C>A, p.Leu510Ile (NM_001425324.1); short protein forms L510I.
Identifiers: ClinVar variation 1035783 (VCV001035783.11), dbSNP rs758584771, ClinGen allele CA958503.

ClinVar aggregate classification (germline): Likely pathogenic. Review status: criteria provided, multiple submitters, no conflicts (2 of 4 stars). 2 submissions from 2 submitters: Likely pathogenic (2). Last evaluated 2025-09-19.

Conditions:
Retinitis pigmentosa (RP). Identifiers: Orphanet 791, MedGen C0035334, MeSH D012174, MONDO:0019200, OMIM 268000. Inheritance: Autosomal dominant, autosomal recessive and X linked inheritance.

Allele frequency attached by ClinVar (database versions not stated): gnomAD exomes below 0.00001; ExAC 0.00001; gnomAD 0.00001; TOPMed 0.00002.
gnomAD v4.1: 2 of 1,613,548 alleles (0.00012%); highest among the groups gnomAD compares: Non-Finnish European, 0.00017%; no homozygotes.

Submissions (2):

Women's Health and Genetics/Laboratory Corporation of America, LabCorp
Classification: Likely pathogenic for Retinitis pigmentosa. Last evaluated: 2025-09-19. Review status: criteria provided, single submitter. Criteria: LabCorp Variant Classification Summary - May 2015. Collection method: clinical testing. Allele origin: germline.
Comment: Variant summary: ABCA4 c.1528C>A (p.Leu510Ile) results in a conservative amino acid change in the encoded protein sequence. Algorithms developed to predict the effect of missense changes on protein structure and function all suggest that this variant is likely to be tolerated. The variant allele was found at a frequency of 4e-06 in 250954 control chromosomes. These data do not allow any conclusion about variant significance. To our knowledge, no experimental evidence demonstrating an impact on protein function has been reported. A different amino acid change in the same codon, c.1529 T>G; p.L510R, has been reported in multiple individuals with Retinitis Pigmentos (PMID: 22229821), indicating the importance of this residue in protein function. ClinVar contains an entry for this variant (Variation ID: 1035783). Based on the evidence outlined above, the variant was classified as likely pathogenic.

Labcorp Genetics (formerly Invitae), Labcorp
Classification: Likely pathogenic. Last evaluated: 2025-03-17. Review status: criteria provided, single submitter. Criteria: Invitae Variant Classification Sherloc (09022015). Collection method: clinical testing. Allele origin: germline.
Comment: This sequence change replaces leucine, which is neutral and non-polar, with isoleucine, which is neutral and non-polar, at codon 510 of the ABCA4 protein (p.Leu510Ile). This variant is present in population databases (rs758584771, gnomAD 0.0009%). This missense change has been observed in individual(s) with clinical features of retinitis pigmentosa and/or Stargardt disease (internal data). ClinVar contains an entry for this variant (Variation ID: 1035783). Invitae Evidence Modeling of protein sequence and biophysical properties (such as structural, functional, and spatial information, amino acid conservation, physicochemical variation, residue mobility, and thermodynamic stability) indicates that this missense variant is not expected to disrupt ABCA4 protein function with a negative predictive value of 95%. This variant disrupts the p.Leu510 amino acid residue in ABCA4. Other variant(s) that disrupt this residue have been determined to be pathogenic (PMID: 22229821). This suggests that this residue is clinically significant, and that variants that disrupt this residue are likely to be disease-causing. In summary, the currently available evidence indicates that the variant is pathogenic, but additional data are needed to prove that conclusively. Therefore, this variant has been classified as Likely Pathogenic.

Literature cited by the submitters: PubMed 22229821 (cited by Labcorp Genetics (formerly Invitae), Labcorp).